The following is an entry in ClinVar:

NM_001351132.2(PEX5):c.1312C>T (p.His438Tyr)

Gene: PEX5 (peroxisomal biogenesis factor 5; plus strand). Cytogenetic location: 12p13.31.
Variant type: single nucleotide variant.
Coding change: c.1312C>T on transcript NM_001351132.2 (MANE Select); coding-DNA position 1312, C replaced by T.
Protein change: p.His438Tyr; replaces histidine 438 with tyrosine.
Molecular consequence: missense variant.
Genome position (GRCh38, 1-based): chr12:7,208,587, C>T. VCF-style: chr12-7208587-C-T. GRCh37 (hg19) VCF-style: chr12-7361183-C-T.
Other names: c.1288C>T, p.His430Tyr (NM_000319.5); c.1357C>T, p.His453Tyr (NM_001131023.2); c.1201C>T, p.His401Tyr (NM_001131024.2, NM_001351124.3, NM_001351126.2 and 7 more transcripts); c.1312C>T, p.His438Tyr (NM_001131025.2, NM_001131026.2, NM_001300789.3 and 4 more transcripts); c.1246C>T, p.His416Tyr (NM_001351135.3, NM_001351138.2); c.1303C>T, p.His435Tyr (NM_001351136.2); c.1177C>T, p.His393Tyr (NM_001351139.2, NM_001351140.2, NM_001374649.2); short protein forms H401Y, H393Y, H430Y, H435Y, H438Y, H416Y, H453Y.
Identifiers: ClinVar variation 1485594 (VCV001485594.5), dbSNP rs2136237273, ClinGen allele CA383733539.

ClinVar aggregate classification (germline): Uncertain significance (1 of 4 stars; one submission).

Conditions:
Peroxisome biogenesis disorder 2B (PBD2B). Identifiers: Orphanet 44, MedGen C3550234, MONDO:0008736, OMIM 202370.

Submission:

Labcorp Genetics (formerly Invitae), Labcorp
Classification: Uncertain significance for Peroxisome biogenesis disorder 2B. Last evaluated: 2021-08-14. Review status: criteria provided, single submitter. Criteria: Invitae Variant Classification Sherloc (09022015). Collection method: clinical testing. Allele origin: germline.
Comment: This sequence change replaces histidine with tyrosine at codon 438 of the PEX5 protein (p.His438Tyr). The histidine residue is moderately conserved and there is a moderate physicochemical difference between histidine and tyrosine. This variant is not present in population databases (ExAC no frequency). This variant has not been reported in the literature in individuals affected with PEX5-related conditions. Algorithms developed to predict the effect of missense changes on protein structure and function (SIFT, PolyPhen-2, Align-GVGD) all suggest that this variant is likely to be tolerated. In summary, the available evidence is currently insufficient to determine the role of this variant in disease. Therefore, it has been classified as a Variant of Uncertain Significance.